The following is an entry in ClinVar:

ClinVar aggregate classification (germline): Uncertain significance (1 of 4 stars; one submission).

Submission:

Labcorp Genetics (formerly Invitae), Labcorp
Classification: Uncertain significance. Last evaluated: 2022-10-17. Review status: criteria provided, single submitter. Criteria: Invitae Variant Classification Sherloc (09022015). Collection method: clinical testing. Allele origin: germline.
Comment: In summary, the available evidence is currently insufficient to determine the role of this variant in disease. Therefore, it has been classified as a Variant of Uncertain Significance. Advanced modeling of protein sequence and biophysical properties (such as structural, functional, and spatial information, amino acid conservation, physicochemical variation, residue mobility, and thermodynamic stability) performed at Invitae indicates that this missense variant is not expected to disrupt ANK3 protein function. This variant has not been reported in the literature in individuals affected with ANK3-related conditions. This variant is not present in population databases (gnomAD no frequency). This sequence change replaces leucine, which is neutral and non-polar, with phenylalanine, which is neutral and non-polar, at codon 4138 of the ANK3 protein (p.Leu4138Phe).

NM_020987.5(ANK3):c.12414A>T (p.Leu4138Phe)

Gene: ANK3 (ankyrin 3; minus strand). Cytogenetic location: 10q21.2.
Variant type: single nucleotide variant.
Coding change: c.12414A>T on transcript NM_020987.5 (MANE Select); coding-DNA position 12414, A replaced by T.
Protein change: p.Leu4138Phe; replaces leucine 4138 with phenylalanine.
Molecular consequence: missense variant.
Genome position (GRCh38, 1-based): chr10:60,064,194, T>A on the plus strand (A>T on the coding strand, the complement: ANK3 is on the minus strand). VCF-style: chr10-60064194-T-A. GRCh37 (hg19) VCF-style: chr10-61823952-T-A.
Other names: c.1977A>T, p.Leu659Phe (NM_001149.4); c.4557A>T, p.Leu1519Phe (NM_001204403.2); c.4578A>T, p.Leu1526Phe (NM_001204404.2); c.4575A>T, p.Leu1525Phe (NM_001320874.2); short protein forms L4138F, L1525F, L1519F, L1526F, L659F.
Identifiers: ClinVar variation 2132152 (VCV002132152.4), dbSNP rs2492467969, ClinGen allele CA376994552.